The following is an entry in ClinVar:

ClinVar aggregate classification (germline): Conflicting classifications of pathogenicity. Review status: criteria provided, conflicting classifications (1 of 4 stars). 4 submissions from 4 submitters: Likely pathogenic (1); Uncertain significance (2). 1 of the submissions does not count toward it. Last evaluated 2026-06-06.

Conditions:
Brown-Vialetto-van Laere syndrome 2. Also called: SPINOCEREBELLAR ATAXIA WITH BLINDNESS AND DEAFNESS 2; Riboflavin transporter deficiency type 2. Identifiers: Orphanet 572543, Orphanet 97229, MedGen C3553538, MONDO:0013867, OMIM 614707.

Allele frequency attached by ClinVar (database versions not stated): gnomAD 0.00001; gnomAD exomes 0.00001; TOPMed below 0.00001.

Submissions (4):

Department of Child Neurology, Istanbul Medeniyet University Göztepe Training and Research Hospital
Classification: Likely pathogenic for Brown-Vialetto-van Laere syndrome 2. Last evaluated: 2026-06-06. Review status: criteria provided, single submitter. Criteria: ACMG Guidelines, 2015. Collection method: clinical testing. Allele origin: germline. Inheritance: Autosomal recessive inheritance. Affected: yes. Observed: 1 variant allele, 1 homozygote.
Comment: Homozygous occurrence in an independent consanguineous family with SLC52A2-related disease (PM3_Moderate); co-segregation of the homozygous genotype with disease across two independent, fully genotyped sibships, with no unaffected sibling homozygous for the variant (PP1_Moderate); concordant computational predictions of a deleterious effect with high cross-species conservation (PP3_Supporting); extremely low population frequency with no homozygotes (PM2_Supporting); and location within a transmembrane domain enriched for pathogenic variants (PM1_Supporting). Combining PM3 and PP1 (each at Moderate strength) with PM1, PM2, and PP3 (Supporting) yields a classification of Likely Pathogenic.

Neuberg Centre For Genomic Medicine, NCGM
Classification: Uncertain significance for Brown-Vialetto-van Laere syndrome 2. Last evaluated: 2023-05-20. Review status: criteria provided, single submitter. Criteria: ACMG Guidelines, 2015. Collection method: clinical testing. Allele origin: germline. Inheritance: Autosomal recessive inheritance. Affected: yes.
Comment: The observed missense variant c.401C>T(p.Pro134Leu) in SLC52A2 gene has been reported previously in homozygous state in two individuals with SLC52A2-related conditions (Guissart C, et al., 2016). The c.401C>T variant has 0.001% allele frequency in gnomAD Exomes. This variant has been submitted to the ClinVar database as Uncertain Significance. However, study on multiple affected individuals and functional impact of the variant is not available. Multiple lines of computational evidence (Polyphen, SIFT and Mutation Taster) predict a damaging effect on protein structure and function for this variant. The amino acid Proline at position 134 is changed to a Leucine changing protein sequence and it might alter its composition and physico-chemical properties. The amino acid change p.Pro134Leu in SLC52A2 is predicted as conserved by GERP++ and PhyloP across 100 vertebrates. For these reasons, this variant has been classified as Uncertain Significance.

Labcorp Genetics (formerly Invitae), Labcorp
Classification: Uncertain significance for Brown-Vialetto-van Laere syndrome 2. Last evaluated: 2022-02-24. Review status: criteria provided, single submitter. Criteria: Invitae Variant Classification Sherloc (09022015). Collection method: clinical testing. Allele origin: germline.
Comment: In summary, the available evidence is currently insufficient to determine the role of this variant in disease. Therefore, it has been classified as a Variant of Uncertain Significance. Advanced modeling of protein sequence and biophysical properties (such as structural, functional, and spatial information, amino acid conservation, physicochemical variation, residue mobility, and thermodynamic stability) performed at Invitae indicates that this missense variant is expected to disrupt SLC52A2 protein function. ClinVar contains an entry for this variant (Variation ID: 645041). This missense change has been observed in individual(s) with SLC52A2-related conditions (PMID: 26669662). This variant is present in population databases (no rsID available, gnomAD 0.01%). This sequence change replaces proline, which is neutral and non-polar, with leucine, which is neutral and non-polar, at codon 134 of the SLC52A2 protein (p.Pro134Leu).

OMIM
Classification: Pathogenic for BROWN-VIALETTO-VAN LAERE SYNDROME 2. Last evaluated: 2025-03-17. Review status: no assertion criteria provided. Collection method: literature only. Allele origin: germline. Not counted in ClinVar's aggregate classification.

Literature cited by the submitters: PubMed 26669662 (cited by 3 submitters).

NM_001363118.2(SLC52A2):c.401C>T (p.Pro134Leu)

Gene: SLC52A2 (solute carrier family 52 member 2; plus strand). Cytogenetic location: 8q24.3.
Variant type: single nucleotide variant.
Coding change: c.401C>T on transcript NM_001363118.2 (MANE Select); coding-DNA position 401, C replaced by T.
Protein change: p.Pro134Leu; replaces proline 134 with leucine.
Molecular consequence: missense variant. On other transcripts: non-coding transcript variant (1), intron variant (1).
Genome position (GRCh38, 1-based): chr8:144,359,893, C>T. VCF-style: chr8-144359893-C-T. GRCh37 (hg19) VCF-style: chr8-145583553-C-T.
Other names: c.401C>T, p.Pro134Leu (NM_001253815.2, NM_001253816.2, NM_001363120.2 and 2 more transcripts); c.131-222C>T (NM_001363122.2); short protein forms P134L.
Identifiers: ClinVar variation 645041 (VCV000645041.7), dbSNP rs1447838904, ClinGen allele CA372627081.